The following is an entry in ClinVar:

ClinVar aggregate classification (germline): Conflicting classifications of pathogenicity. Review status: criteria provided, conflicting classifications (1 of 4 stars). 3 submissions from 3 submitters: Uncertain significance (1); Benign (1); Likely benign (1). Last evaluated 2025-11-01.

Conditions:
Inborn genetic diseases. Identifiers: MedGen C0950123, MeSH D030342.

Allele frequency attached by ClinVar (database versions not stated): gnomAD 0.00062; TOPMed 0.00066; ESP Exome Variant Server 0.00086; 1000 Genomes Project 0.00020; ExAC 0.00034; gnomAD exomes 0.00127.
gnomAD v4.1: 1,838 of 1,550,554 alleles (0.12%); highest among the groups gnomAD compares: Non-Finnish European, 0.15%; 1 homozygote.

Submissions (3):

CeGaT Center for Human Genetics Tuebingen
Classification: Benign. Last evaluated: 2025-11-01. Review status: criteria provided, single submitter. Criteria: CeGaT Center For Human Genetics Tuebingen Variant Classification Criteria Version 2. Collection method: clinical testing. Allele origin: germline. Affected: yes. Observed: 3 variant alleles.
Comment: DSPP: BP4, BS1, BS2

Blueprint Genetics
Classification: Likely benign. Last evaluated: 2024-10-15. Review status: criteria provided, single submitter. Criteria: ACMG Guidelines, 2015. Collection method: clinical testing. Allele origin: germline.

Ambry Genetics
Classification: Uncertain significance for Inborn genetic diseases. Last evaluated: 2024-01-23. Review status: criteria provided, single submitter. Criteria: Ambry Variant Classification Scheme 2023. Collection method: clinical testing. Allele origin: germline.

NM_014208.3(DSPP):c.2382C>A (p.Ser794Arg)

Genes: DMP1-AS1 (DMP1 and DSPP antisense RNA 1; minus strand), DSPP (dentin sialophosphoprotein; plus strand). Cytogenetic location: 4q22.1.
Variant type: single nucleotide variant.
Coding change: c.2382C>A on transcript NM_014208.3 (MANE Select); coding-DNA position 2382, C replaced by A.
Protein change: p.Ser794Arg; replaces serine 794 with arginine.
Molecular consequence: missense variant.
Genome position (GRCh38, 1-based): chr4:87,615,044, C>A. VCF-style: chr4-87615044-C-A. GRCh37 (hg19) VCF-style: chr4-88536196-C-A.
Other names: short protein forms S794R.
Identifiers: ClinVar variation 2357241 (VCV002357241.17), dbSNP rs189169726, ClinGen allele CA3001237.